The following is an entry in ClinVar:

ClinVar aggregate classification (germline): Uncertain significance (1 of 4 stars; one submission).

Allele frequency attached by ClinVar (database versions not stated): gnomAD exomes below 0.00001; ExAC 0.00001; TOPMed 0.00001; gnomAD 0.00002.
gnomAD v4.1: 6 of 1,613,722 alleles (0.00037%); highest among the groups gnomAD compares: African/African-American, 0.008%; no homozygotes.

Submission:

Labcorp Genetics (formerly Invitae), Labcorp
Classification: Uncertain significance. Last evaluated: 2022-12-02. Review status: criteria provided, single submitter. Criteria: Invitae Variant Classification Sherloc (09022015). Collection method: clinical testing. Allele origin: germline.
Comment: ClinVar contains an entry for this variant (Variation ID: 1361431). In summary, the available evidence is currently insufficient to determine the role of this variant in disease. Therefore, it has been classified as a Variant of Uncertain Significance. Algorithms developed to predict the effect of missense changes on protein structure and function (SIFT, PolyPhen-2, Align-GVGD) all suggest that this variant is likely to be tolerated. This variant has not been reported in the literature in individuals affected with SLC24A1-related conditions. This variant is present in population databases (rs754554767, gnomAD 0.008%). This sequence change replaces alanine, which is neutral and non-polar, with threonine, which is neutral and polar, at codon 368 of the SLC24A1 protein (p.Ala368Thr).

NM_004727.3(SLC24A1):c.1102G>A (p.Ala368Thr)

Gene: SLC24A1 (solute carrier family 24 member 1; plus strand). Cytogenetic location: 15q22.31.
Variant type: single nucleotide variant.
Coding change: c.1102G>A on transcript NM_004727.3 (MANE Select); coding-DNA position 1102, G replaced by A.
Protein change: p.Ala368Thr; replaces alanine 368 with threonine.
Molecular consequence: missense variant.
Genome position (GRCh38, 1-based): chr15:65,625,182, G>A. VCF-style: chr15-65625182-G-A. GRCh37 (hg19) VCF-style: chr15-65917520-G-A.
Other names: c.1102G>A, p.Ala368Thr (NM_001301031.1, NM_001301032.1, NM_001301033.2); short protein forms A368T.
Identifiers: ClinVar variation 1361431 (VCV001361431.8), dbSNP rs754554767, ClinGen allele CA7619845.